The following is an entry in ClinVar:

NM_000455.5(STK11):c.289A>C (p.Lys97Gln)

Gene: STK11 (serine/threonine kinase 11; plus strand). Cytogenetic location: 19p13.3.
Variant type: single nucleotide variant.
Coding change: c.289A>C on transcript NM_000455.5 (MANE Select); coding-DNA position 289, A replaced by C.
Protein change: p.Lys97Gln; replaces lysine 97 with glutamine.
Molecular consequence: missense variant. On other transcripts: non-coding transcript variant (1).
Genome position (GRCh38, 1-based): chr19:1,207,202, A>C. VCF-style: chr19-1207202-A-C. GRCh37 (hg19) VCF-style: chr19-1207201-A-C.
Other names: c.289A>C, p.Lys97Gln (NM_001407255.1); short protein forms K97Q.
Identifiers: ClinVar variation 4532947 (VCV004532947.1).

ClinVar aggregate classification (germline): Uncertain significance (1 of 4 stars; one submission).

Submission:

Quest Diagnostics Nichols Institute San Juan Capistrano
Classification: Uncertain significance. Last evaluated: 2024-12-30. Review status: criteria provided, single submitter. Criteria: Quest Diagnostics criteria. Collection method: clinical testing. Allele origin: unknown.
Comment: The STK11 c.289A>C (p.Lys97Gln) variant has not been reported in individuals with STK11-related conditions in the published literature. It also has not been reported in large, multi-ethnic general populations (Genome Aggregation Database). Analysis of this variant using bioinformatics tools for the prediction of the effect of amino acid changes on protein structure and function yielded conflicting predictions that this variant is deleterious or benign. Based on the available information, we are unable to determine the clinical significance of this variant.